The following is an entry in ClinVar:

NM_000255.4(MMUT):c.1277G>A (p.Gly426Glu)

Gene: MMUT (methylmalonyl-CoA mutase; minus strand). Cytogenetic location: 6p12.3.
Variant type: single nucleotide variant.
Coding change: c.1277G>A on transcript NM_000255.4 (MANE Select); coding-DNA position 1277, G replaced by A.
Protein change: p.Gly426Glu; replaces glycine 426 with glutamic acid.
Molecular consequence: missense variant.
Genome position (GRCh38, 1-based): chr6:49,451,521, C>T on the plus strand (G>A on the coding strand, the complement: MMUT is on the minus strand). VCF-style: chr6-49451521-C-T. GRCh37 (hg19) VCF-style: chr6-49419234-C-T.
Other names: short protein forms G426E.
Identifiers: ClinVar variation 222932 (VCV000222932.3), dbSNP rs533755473, ClinGen allele CA10575866.

ClinVar aggregate classification (germline): Conflicting classifications of pathogenicity. Review status: criteria provided, conflicting classifications (1 of 4 stars). 2 submissions from 2 submitters: Pathogenic (1); Uncertain significance (1). Last evaluated 2026-07-20.

Conditions:
Methylmalonic aciduria due to methylmalonyl-CoA mutase deficiency (MAMM). Also called: Methylmalonic aciduria, mut type. Identifiers: Orphanet 27, MedGen C1855114, MONDO:0009612, OMIM 251000.

Allele frequency attached by ClinVar (database versions not stated): TOPMed 0.00001.

Submissions (2):

Myriad Genetics, Inc.
Classification: Uncertain significance for Methylmalonic aciduria due to methylmalonyl-CoA mutase deficiency. Last evaluated: 2026-07-20. Review status: criteria provided, single submitter. Criteria: Myriad Autosomal Dominant, Autosomal Recessive and X-Linked Classification Criteria (2023). Collection method: clinical testing. Allele origin: unknown.
Comment: NM_000255.3(MMUT):c.1277G>A(G426E) is a missense variant classified as a variant of uncertain significance in the context of methylmalonic acidemia, MMUT-related. G426E has been observed in a case with relevant disease (PMID: 27167370). Relevant functional assessments of this variant are not available in the literature. G426E has not been observed in referenced population frequency databases. In summary, there is insufficient evidence to classify NM_000255.3(MMUT):c.1277G>A(G426E) as pathogenic or benign. Please note: this variant was assessed in the context of healthy population screening.

University Children's Hospital, University of Zurich
Classification: Pathogenic for Methylmalonic aciduria due to methylmalonyl-CoA mutase deficiency. Review status: criteria provided, single submitter. Criteria: Forny et al. (Hum Mutat. 2016). Collection method: clinical testing. Allele origin: germline. Inheritance: Autosomal recessive inheritance. Affected: yes.

Literature cited by the submitters: PubMed 27167370 (cited by Myriad Genetics, Inc.); PubMed 25736335 (cited by University Children's Hospital, University of Zurich).